The following is an entry in ClinVar:

NM_198428.3(BBS9):c.2387A>G (p.Asn796Ser)

Gene: BBS9 (Bardet-Biedl syndrome 9; plus strand). Cytogenetic location: 7p14.3.
Variant type: single nucleotide variant.
Coding change: c.2387A>G on transcript NM_198428.3 (MANE Select); coding-DNA position 2387, A replaced by G.
Protein change: p.Asn796Ser; replaces asparagine 796 with serine.
Molecular consequence: missense variant. On other transcripts: non-coding transcript variant (3).
Genome position (GRCh38, 1-based): chr7:33,534,042, A>G. VCF-style: chr7-33534042-A-G. GRCh37 (hg19) VCF-style: chr7-33573654-A-G.
Other names: c.2282A>G, p.Asn761Ser (NM_001033604.2); c.2372A>G, p.Asn791Ser (NM_001033605.2); c.2387A>G, p.Asn796Ser (NM_001348036.1, NM_001348041.4, NM_001348043.3 and 1 more transcripts); c.1838A>G, p.Asn613Ser (NM_001348037.3); c.2114A>G, p.Asn705Ser (NM_001348038.3); c.2009A>G, p.Asn670Ser (NM_001348039.3); c.2267A>G, p.Asn756Ser (NM_001348040.3, NM_014451.4); c.2252A>G, p.Asn751Ser (NM_001348042.3); and 2 more; short protein forms N613S, N639S, N670S, N674S, N705S, N751S, N756S, N761S.
Identifiers: ClinVar variation 3358018 (VCV003358018.1).
Genomic context (GRCh38, chr7:33,534,042, plus strand): 5'-TTTCCCACCTGTTGAAGACTTGCCTGTCGAAGAGTTCTAAGGAGCAGGCTTTGAACCTCA[A>G]CAGCCAGCTGAACATACCCAAAGACACAAGCCAACTGAAGAAACATATCACCTTGCTCTG-3'
Protein context (NP_940820.1, residues 786-806): KSSKEQALNL[Asn796Ser]SQLNIPKDTS

ClinVar aggregate classification (germline): Uncertain significance (0 of 4 stars; one submission).

Conditions:
BBS9-related disorder. Also called: BBS9-related condition.

gnomAD v4.1: 4 of 1,614,102 alleles (0.00025%); highest among the groups gnomAD compares: African/African-American, 0.0027%; no homozygotes.

Submission:

PreventionGenetics, part of Exact Sciences
Classification: Uncertain significance for BBS9-related condition. Last evaluated: 2024-05-28. Review status: no assertion criteria provided. Collection method: clinical testing. Allele origin: germline.
Comment: The BBS9 c.2387A>G variant is predicted to result in the amino acid substitution p.Asn796Ser. To our knowledge, this variant has not been reported in the literature. This variant is reported in 0.00088% of alleles in individuals of European (Non-Finnish) descent in gnomAD. At this time, the clinical significance of this variant is uncertain due to the absence of conclusive functional and genetic evidence.